The following is an entry in ClinVar:

ClinVar aggregate classification (germline): Benign/Likely benign. Review status: criteria provided, multiple submitters, no conflicts (2 of 4 stars). 4 submissions from 4 submitters: Benign (3); Likely benign (1). Last evaluated 2026-05-01.

Allele frequency attached by ClinVar (database versions not stated): gnomAD exomes 0.00029 and 0.00078; ExAC 0.00107; gnomAD 0.00277 and 0.00309; 1000 Genomes Project 30x 0.00312; 1000 Genomes Project 0.00319; TOPMed 0.00355; ESP Exome Variant Server 0.00361.
gnomAD v4.1: 862 of 1,609,334 alleles (0.054%); highest among the groups gnomAD compares: African/African-American, 0.98%; 3 homozygotes.

Submissions (4):

CeGaT Center for Human Genetics Tuebingen
Classification: Likely benign. Last evaluated: 2026-05-01. Review status: criteria provided, single submitter. Criteria: CeGaT Center For Human Genetics Tuebingen Variant Classification Criteria Version 2. Collection method: clinical testing. Allele origin: germline. Affected: yes. Observed: 2 variant alleles.
Comment: ANK3: BP4, BP7

Labcorp Genetics (formerly Invitae), Labcorp
Classification: Benign. Last evaluated: 2025-12-22. Review status: criteria provided, single submitter. Criteria: Invitae Variant Classification Sherloc (09022015). Collection method: clinical testing. Allele origin: germline.

Genetic Services Laboratory, University of Chicago
Classification: Benign. Last evaluated: 2017-04-24. Review status: criteria provided, single submitter. Criteria: ACMG Guidelines, 2015. Collection method: clinical testing. Allele origin: germline. Affected: no.

Breakthrough Genomics
Classification: Benign. Review status: criteria provided, single submitter. Criteria: ACMG Guidelines, 2015. Collection method: not provided. Allele origin: germline. Inheritance: Autosomal recessive inheritance. Affected: yes.

NM_020987.5(ANK3):c.2889C>T (p.Tyr963=)

Gene: ANK3 (ankyrin 3; minus strand). Cytogenetic location: 10q21.2.
Variant type: single nucleotide variant.
Coding change: c.2889C>T on transcript NM_020987.5 (MANE Select); coding-DNA position 2889, C replaced by T.
Protein change: p.Tyr963=; no amino-acid change (tyrosine 963 retained).
Molecular consequence: synonymous variant.
Genome position (GRCh38, 1-based): chr10:60,114,284, G>A on the plus strand (C>T on the coding strand, the complement: ANK3 is on the minus strand). VCF-style: chr10-60114284-G-A. GRCh37 (hg19) VCF-style: chr10-61874042-G-A.
Other names: c.291C>T, p.Tyr97= (NM_001149.4); c.2871C>T, p.Tyr957= (NM_001204403.2); c.2892C>T, p.Tyr964= (NM_001204404.2); c.2889C>T, p.Tyr963= (NM_001320874.2).
Identifiers: ClinVar variation 210152 (VCV000210152.39), dbSNP rs149682716, ClinGen allele CA207972.